The following is an entry in ClinVar:

ClinVar aggregate classification (germline): Uncertain significance (1 of 4 stars; one submission).

Conditions:
Oculofaciocardiodental syndrome (MCOPS2). Identifiers: Orphanet 2712, MedGen C1846265, MONDO:0010261, OMIM 300166.

Submission:

Laboratorio de Genetica e Diagnostico Molecular, Hospital Israelita Albert Einstein
Classification: Uncertain significance for Oculofaciocardiodental syndrome. Last evaluated: 2024-05-10. Review status: criteria provided, single submitter. Criteria: ACMG Guidelines, 2015. Collection method: clinical testing. Allele origin: germline. Affected: yes.
Comment: ACMG classification criteria: PM2 supporting, PP3 supporting

NM_001123385.2(BCOR):c.3604G>C (p.Gly1202Arg)

Gene: BCOR (BCL6 corepressor; minus strand). Cytogenetic location: Xp11.4.
Variant type: single nucleotide variant.
Coding change: c.3604G>C on transcript NM_001123385.2 (MANE Select); coding-DNA position 3604, G replaced by C.
Protein change: p.Gly1202Arg; replaces glycine 1202 with arginine.
Molecular consequence: missense variant. On other transcripts: splice acceptor variant (4).
Genome position (GRCh38, 1-based): chrX:40,063,851, C>G on the plus strand (G>C on the coding strand, the complement: BCOR is on the minus strand). VCF-style: chrX-40063851-C-G. GRCh37 (hg19) VCF-style: chrX-39923104-C-G.
Other names: c.3604G>C, p.Gly1202Arg (NM_001437510.1, NM_001437511.1); c.3550G>C, p.Gly1184Arg (NM_001438207.1); c.3449-1G>C (NM_001123384.2); c.3503-1G>C (NM_001123383.2, NM_001438208.1, NM_017745.6); short protein forms G1202R, G1184R.
Identifiers: ClinVar variation 3902026 (VCV003902026.1).